The following is an entry in ClinVar:

ClinVar aggregate classification (germline): Uncertain significance (1 of 4 stars; one submission).

Conditions:
Nemaline myopathy 2 (NEM2). Also called: Nemaline myopathy 2, autosomal recessive. Identifiers: MedGen C1850569, MONDO:0009725, OMIM 256030.

Submission:

Labcorp Genetics (formerly Invitae), Labcorp
Classification: Uncertain significance for Nemaline myopathy 2. Last evaluated: 2021-03-28. Review status: criteria provided, single submitter. Criteria: Invitae Variant Classification Sherloc (09022015). Collection method: clinical testing. Allele origin: germline.
Comment: This sequence change replaces alanine with threonine at codon 1314 of the NEB protein (p.Ala1314Thr). The alanine residue is moderately conserved and there is a small physicochemical difference between alanine and threonine. This variant is not present in population databases (ExAC no frequency). This variant has not been reported in the literature in individuals with NEB-related conditions. Algorithms developed to predict the effect of missense changes on protein structure and function are either unavailable or do not agree on the potential impact of this missense change (SIFT: "Deleterious"; PolyPhen-2: "Not Available"; Align-GVGD: "Class C0"). In summary, the available evidence is currently insufficient to determine the role of this variant in disease. Therefore, it has been classified as a Variant of Uncertain Significance.

NM_001164508.2(NEB):c.3940G>A (p.Ala1314Thr)

Gene: NEB (nebulin; minus strand). Cytogenetic location: 2q23.3.
Variant type: single nucleotide variant.
Coding change: c.3940G>A on transcript NM_001164508.2 (MANE Select); coding-DNA position 3940, G replaced by A.
Protein change: p.Ala1314Thr; replaces alanine 1314 with threonine.
Molecular consequence: missense variant.
Genome position (GRCh38, 1-based): chr2:151,674,524, C>T on the plus strand (G>A on the coding strand, the complement: NEB is on the minus strand). VCF-style: chr2-151674524-C-T. GRCh37 (hg19) VCF-style: chr2-152531038-C-T.
Other names: c.3940G>A, p.Ala1314Thr (NM_001164507.2, NM_001271208.2, NM_004543.5); short protein forms A1314T.
Identifiers: ClinVar variation 1372710 (VCV001372710.8), dbSNP rs2154198100, ClinGen allele CA348817714.